The following is an entry in ClinVar:

ClinVar aggregate classification (germline): Uncertain significance (1 of 4 stars; one submission).

Allele frequency attached by ClinVar (database versions not stated): gnomAD exomes below 0.00001; TOPMed below 0.00001; gnomAD 0.00001.
gnomAD v4.1: 3 of 1,613,928 alleles (0.00019%); highest among the groups gnomAD compares: Non-Finnish European, 0.00025%; no homozygotes.

Submission:

Labcorp Genetics (formerly Invitae), Labcorp
Classification: Uncertain significance. Last evaluated: 2022-03-04. Review status: criteria provided, single submitter. Criteria: Invitae Variant Classification Sherloc (09022015). Collection method: clinical testing. Allele origin: germline.
Comment: This sequence change replaces alanine, which is neutral and non-polar, with glycine, which is neutral and non-polar, at codon 472 of the SRCAP protein (p.Ala472Gly). This variant is not present in population databases (gnomAD no frequency). In summary, the available evidence is currently insufficient to determine the role of this variant in disease. Therefore, it has been classified as a Variant of Uncertain Significance. Algorithms developed to predict the effect of missense changes on protein structure and function are either unavailable or do not agree on the potential impact of this missense change (SIFT: "Deleterious"; PolyPhen-2: "Not Available"; Align-GVGD: "Class C0"). This variant has not been reported in the literature in individuals affected with SRCAP-related conditions.

NM_006662.3(SRCAP):c.1415C>G (p.Ala472Gly)

Gene: SRCAP (Snf2 related CREBBP activator protein; plus strand). Cytogenetic location: 16p11.2.
Variant type: single nucleotide variant.
Coding change: c.1415C>G on transcript NM_006662.3 (MANE Select); coding-DNA position 1415, C replaced by G.
Protein change: p.Ala472Gly; replaces alanine 472 with glycine.
Molecular consequence: missense variant.
Genome position (GRCh38, 1-based): chr16:30,711,667, C>G. VCF-style: chr16-30711667-C-G. GRCh37 (hg19) VCF-style: chr16-30722988-C-G.
Other names: short protein forms A472G.
Identifiers: ClinVar variation 1909180 (VCV001909180.5), dbSNP rs2052893686, ClinGen allele CA395603743.